The following is an entry in ClinVar:

ClinVar aggregate classification (germline): Pathogenic. Review status: criteria provided, multiple submitters, no conflicts (2 of 4 stars). 2 submissions from 2 submitters: Pathogenic (2). Last evaluated 2024-10-23.

Conditions:
GRN-related disorder. Also called: GRN-related disorders; GRN-related condition.
GRN-related frontotemporal lobar degeneration with Tdp43 inclusions (FTD2). Also called: DEMENTIA, HEREDITARY DYSPHASIC DISINHIBITION; FRONTOTEMPORAL LOBAR DEGENERATION WITH UBIQUITIN-POSITIVE INCLUSIONS; FTLD-TDP, GRN-RELATED; GRN Frontotemporal Dementia; FRONTOTEMPORAL DEMENTIA WITH TDP43 INCLUSIONS, GRN-RELATED. Identifiers: Orphanet 100070, Orphanet 282, MedGen C1843792, MONDO:0011842, OMIM 607485. Disease mechanism: loss of function.
Neuronal ceroid lipofuscinosis 11. Also called: GRN-Related Neuronal Ceroid-Lipofuscinosis. Identifiers: Orphanet 314629, Orphanet 79262, MedGen C3539123, MONDO:0013866, OMIM 614706.

Submissions (2):

Labcorp Genetics (formerly Invitae), Labcorp
Classification: Pathogenic for Neuronal ceroid lipofuscinosis 11; GRN-related frontotemporal lobar degeneration with Tdp43 inclusions. Last evaluated: 2024-10-23. Review status: criteria provided, single submitter. Criteria: Invitae Variant Classification Sherloc (09022015). Collection method: clinical testing. Allele origin: germline.
Comment: This sequence change creates a premature translational stop signal (p.Lys259*) in the GRN gene. It is expected to result in an absent or disrupted protein product. Loss-of-function variants in GRN are known to be pathogenic (PMID: 16862116, 16950801, 22608501). This variant is not present in population databases (gnomAD no frequency). This premature translational stop signal has been observed in individual(s) with GRN-related conditions (PMID: 19618231). For these reasons, this variant has been classified as Pathogenic.

Blueprint Genetics
Classification: Pathogenic for GRN-related disorders. Last evaluated: 2019-10-10. Review status: criteria provided, single submitter. Criteria: ACMG Guidelines, 2015. Collection method: clinical testing. Allele origin: germline. Affected: yes. Observed: 1 variant allele.

Literature cited by the submitters: PubMed 16862116 (cited by Labcorp Genetics (formerly Invitae), Labcorp); PubMed 16950801 (cited by Labcorp Genetics (formerly Invitae), Labcorp); PubMed 22608501 (cited by Labcorp Genetics (formerly Invitae), Labcorp); PubMed 19618231 (cited by Labcorp Genetics (formerly Invitae), Labcorp).

NM_002087.4(GRN):c.774dup (p.Lys259Ter)

Gene: GRN (granulin precursor; plus strand). Cytogenetic location: 17q21.31.
Variant type: Duplication.
Coding change: c.774dup on transcript NM_002087.4 (MANE Select); coding-DNA position 774, one base duplicated (T; older notation c.774dupT).
Protein change: p.Lys259Ter; replaces lysine 259 with a stop codon.
Molecular consequence: nonsense.
Genome position (GRCh38, 1-based): chr17:44,351,102, T duplicated. VCF-style (leftmost placement, unchanged base first): chr17-44351101-G-GT. GRCh37 (hg19) VCF-style: chr17-42428469-G-GT.
Other names: short protein forms K259*.
Identifiers: ClinVar variation 3750070 (VCV003750070.3).